The following is an entry in ClinVar:

NM_194279.4(ISCA2):c.334A>G (p.Ser112Gly)

Gene: ISCA2 (iron-sulfur cluster assembly 2; plus strand). Cytogenetic location: 14q24.3.
Variant type: single nucleotide variant.
Coding change: c.334A>G on transcript NM_194279.4 (MANE Select); coding-DNA position 334, A replaced by G.
Protein change: p.Ser112Gly; replaces serine 112 with glycine.
Molecular consequence: missense variant. On other transcripts: 3 prime UTR variant (1).
Genome position (GRCh38, 1-based): chr14:74,494,869, A>G. VCF-style: chr14-74494869-A-G. GRCh37 (hg19) VCF-style: chr14-74961572-A-G.
Other names: c.*35A>G (NM_001272007.2); short protein forms S112G.
Identifiers: ClinVar variation 523611 (VCV000523611.7), dbSNP rs767352340, ClinGen allele CA7268351.

ClinVar aggregate classification (germline): Uncertain significance. Review status: criteria provided, single submitter (1 of 4 stars). 3 submissions from 3 submitters: Uncertain significance (1). 2 of the submissions do not count toward it. Last evaluated 2022-09-27.

Conditions:
Multiple mitochondrial dysfunctions syndrome 4 (MMDS4). Also called: ISCA2-Related Mitochondrial Disorder. Identifiers: Orphanet 457406, MedGen C4225348, MONDO:0014611, OMIM 616370.

Allele frequency attached by ClinVar (database versions not stated): ExAC 0.00001; gnomAD exomes 0.00001 and below 0.00001.
gnomAD v4.1: 3 of 1,614,172 alleles (0.00019%); highest among the groups gnomAD compares: Non-Finnish European, 0.00025%; no homozygotes.

Submissions (3):

Labcorp Genetics (formerly Invitae), Labcorp
Classification: Uncertain significance. Last evaluated: 2022-09-27. Review status: criteria provided, single submitter. Criteria: Invitae Variant Classification Sherloc (09022015). Collection method: clinical testing. Allele origin: germline.
Comment: In summary, the available evidence is currently insufficient to determine the role of this variant in disease. Therefore, it has been classified as a Variant of Uncertain Significance. Algorithms developed to predict the effect of missense changes on protein structure and function (SIFT, PolyPhen-2, Align-GVGD) all suggest that this variant is likely to be disruptive. ClinVar contains an entry for this variant (Variation ID: 523611). This missense change has been observed in individual(s) with clinical features of ISCA2-related conditions (PMID: 29359243). This variant is present in population databases (rs767352340, gnomAD 0.0009%). This sequence change replaces serine, which is neutral and polar, with glycine, which is neutral and non-polar, at codon 112 of the ISCA2 protein (p.Ser112Gly).

OMIM
Classification: Pathogenic for MULTIPLE MITOCHONDRIAL DYSFUNCTIONS SYNDROME 4. Last evaluated: 2018-06-15. Review status: no assertion criteria provided. Collection method: literature only. Allele origin: germline. Not counted in ClinVar's aggregate classification.

GeneReviews
No classification provided. Condition: Multiple mitochondrial dysfunctions syndrome 4. Review status: no classification provided. Collection method: literature only. Allele origin: germline. Not counted in ClinVar's aggregate classification.

Literature cited by the submitters: PubMed 29359243 (cited by 3 submitters); PubMed 29470032 (cited by GeneReviews).